The following is an entry in ClinVar:

ClinVar aggregate classification (germline): Pathogenic (1 of 4 stars; one submission).

Conditions:
CHARGE syndrome (CHARGE). Also called: Hittner Hirsch Kreh syndrome; CHARGE ASSOCIATION--COLOBOMA, HEART ANOMALY, CHOANAL ATRESIA, RETARDATION, GENITAL AND EAR ANOMALIES; Coloboma, heart anomaly, choanal atresia, retardation, genital and ear anomalies; CHARGE association; Hall-Hittner syndrome. Identifiers: Orphanet 138, MedGen C0265354, MONDO:0008965.

Submission:

Labcorp Genetics (formerly Invitae), Labcorp
Classification: Pathogenic for CHARGE syndrome. Last evaluated: 2023-02-27. Review status: criteria provided, single submitter. Criteria: Invitae Variant Classification Sherloc (09022015). Collection method: clinical testing. Allele origin: germline.
Comment: For these reasons, this variant has been classified as Pathogenic. This variant has not been reported in the literature in individuals affected with CHD7-related conditions. This variant is not present in population databases (gnomAD no frequency). This sequence change creates a premature translational stop signal (p.Met1124Aspfs*45) in the CHD7 gene. It is expected to result in an absent or disrupted protein product. Loss-of-function variants in CHD7 are known to be pathogenic (PMID: 22461308, 25077900).

Literature cited by the submitters: PubMed 22461308; PubMed 25077900.

NM_017780.4(CHD7):c.3369dup (p.Met1124fs)

Gene: CHD7 (chromodomain helicase DNA binding protein 7; plus strand). Cytogenetic location: 8q12.2.
Variant type: Duplication.
Coding change: c.3369dup on transcript NM_017780.4 (MANE Select); coding-DNA position 3369, one base duplicated (G; older notation c.3369dupG).
Protein change: p.Met1124fs; shifts the reading frame from methionine 1124.
Molecular consequence: frameshift variant. On other transcripts: intron variant (1).
Genome position (GRCh38, 1-based): chr8:60,824,007, G duplicated. VCF-style (leftmost placement, unchanged base first): chr8-60824006-T-TG. GRCh37 (hg19) VCF-style: chr8-61736565-T-TG.
Other names: c.1717-38222dup (NM_001316690.1); short protein forms M1124fs.
Identifiers: ClinVar variation 2841411 (VCV002841411.3), dbSNP rs2487819498, ClinGen allele CA2739268782.